The following is an entry in ClinVar:

ClinVar aggregate classification (germline): Conflicting classifications of pathogenicity. Review status: criteria provided, conflicting classifications (1 of 4 stars). 4 submissions from 4 submitters: Uncertain significance (1); Likely benign (2). 1 of the submissions does not count toward it. Last evaluated 2025-09-04.

Conditions:
Hereditary cancer-predisposing syndrome. Also called: Neoplastic Syndromes, Hereditary; Tumor predisposition; Hereditary Cancer Syndrome; Hereditary neoplastic syndrome. Identifiers: Orphanet 140162, MedGen C0027672, MeSH D009386, MONDO:0015356.
POLE-related disorder. Also called: POLE-related disorders; POLE-related condition.

Allele frequency attached by ClinVar (database versions not stated): TOPMed below 0.00001; gnomAD 0.00001.
gnomAD v4.1: 1 of 1,608,680 alleles (0.000062%); highest among the groups gnomAD compares: African/African-American, 0.0013%; no homozygotes.

Submissions (4):

Labcorp Genetics (formerly Invitae), Labcorp
Classification: Likely benign. Last evaluated: 2025-09-04. Review status: criteria provided, single submitter. Criteria: Invitae Variant Classification Sherloc (09022015). Collection method: clinical testing. Allele origin: germline.

GeneDx
Classification: Uncertain significance. Last evaluated: 2024-03-07. Review status: criteria provided, single submitter. Criteria: GeneDx Variant Classification Process June 2021. Collection method: clinical testing. Allele origin: germline. Affected: yes.
Comment: Not observed at significant frequency in large population cohorts (gnomAD); Has not been previously published as pathogenic or benign to our knowledge; In silico analysis suggests this variant may impact gene splicing. In the absence of RNA/functional studies, the actual effect of this sequence change is unknown.

Ambry Genetics
Classification: Likely benign for Hereditary cancer-predisposing syndrome. Last evaluated: 2016-11-28. Review status: criteria provided, single submitter. Criteria: Ambry Variant Classification Scheme 2023. Collection method: clinical testing. Allele origin: germline.

PreventionGenetics, part of Exact Sciences
Classification: Likely benign for POLE-related condition. Last evaluated: 2021-11-08. Review status: no assertion criteria provided. Collection method: clinical testing. Allele origin: germline. Not counted in ClinVar's aggregate classification.
Comment: This variant is classified as likely benign based on ACMG/AMP sequence variant interpretation guidelines (Richards et al. 2015 PMID: 25741868, with internal and published modifications).

NM_006231.4(POLE):c.5067A>G (p.Thr1689=)

Gene: POLE (DNA polymerase epsilon, catalytic subunit; minus strand). Cytogenetic location: 12q24.33.
Variant type: single nucleotide variant.
Coding change: c.5067A>G on transcript NM_006231.4 (MANE Select); coding-DNA position 5067, A replaced by G.
Protein change: p.Thr1689=; no amino-acid change (threonine 1689 retained).
Molecular consequence: synonymous variant.
Genome position (GRCh38, 1-based): chr12:132,642,283, T>C on the plus strand (A>G on the coding strand, the complement: POLE is on the minus strand). VCF-style: chr12-132642283-T-C. GRCh37 (hg19) VCF-style: chr12-133218869-T-C.
Identifiers: ClinVar variation 484564 (VCV000484564.18), dbSNP rs1256621322, ClinGen allele CA482848861.
Genomic context (GRCh38, chr12:132,642,283, plus strand): 5'-ATCGAACTCCATGACAAGACAGTTGTCATCAGCCTCCTTTCCACCCAGGTCAGGGCGGGC[T>C]GTAGGGGACAGCCAGAGCAGGTGGTTGTGGCGCTGGAGGTGGCGGGCAAAGAAGAGGTCG-3'
Protein context (NP_006222.2, residues 1679-1699): RHNHLLWLSP[Thr1689=]ARPDLGGKEA